The following is an entry in ClinVar:

ClinVar aggregate classification (germline): Benign/Likely benign. Review status: criteria provided, multiple submitters, no conflicts (2 of 4 stars). 3 submissions from 3 submitters: Benign (1); Likely benign (1). 1 of the submissions does not count toward it. Last evaluated 2025-12-28.

Conditions:
TBC1D8B-related disorder. Also called: TBC1D8B-related condition.

Allele frequency attached by ClinVar (database versions not stated): ESP Exome Variant Server 0.00009; gnomAD 0.00027; 1000 Genomes Project 0.00159; 1000 Genomes Project 30x 0.00166.
gnomAD v4.1: 239 of 1,210,223 alleles (0.02%); highest among the groups gnomAD compares: Admixed American, 0.27%; no homozygotes.

Submissions (3):

Labcorp Genetics (formerly Invitae), Labcorp
Classification: Benign. Last evaluated: 2025-12-28. Review status: criteria provided, single submitter. Criteria: Invitae Variant Classification Sherloc (09022015). Collection method: clinical testing. Allele origin: germline.

Blueprint Genetics
Classification: Likely benign. Last evaluated: 2024-04-15. Review status: criteria provided, single submitter. Criteria: ACMG Guidelines, 2015. Collection method: clinical testing. Allele origin: germline.

PreventionGenetics, part of Exact Sciences
Classification: Likely benign for TBC1D8B-related condition. Last evaluated: 2022-03-07. Review status: no assertion criteria provided. Collection method: clinical testing. Allele origin: germline. Not counted in ClinVar's aggregate classification.
Comment: This variant is classified as likely benign based on ACMG/AMP sequence variant interpretation guidelines (Richards et al. 2015 PMID: 25741868, with internal and published modifications).

NM_017752.3(TBC1D8B):c.3083A>G (p.Glu1028Gly)

Gene: TBC1D8B (TBC1 domain family member 8B; plus strand). Cytogenetic location: Xq22.3.
Variant type: single nucleotide variant.
Coding change: c.3083A>G on transcript NM_017752.3 (MANE Select); coding-DNA position 3083, A replaced by G.
Protein change: p.Glu1028Gly; replaces glutamic acid 1028 with glycine.
Molecular consequence: missense variant.
Genome position (GRCh38, 1-based): chrX:106,873,685, A>G. VCF-style: chrX-106873685-A-G. GRCh37 (hg19) VCF-style: chrX-106116915-A-G.
Other names: c.3083A>G (NM_017752.2); short protein forms E1028G.
Identifiers: ClinVar variation 2008335 (VCV002008335.7), dbSNP rs144358556, ClinGen allele CA10483498.